The following is an entry in ClinVar:

ClinVar aggregate classification (germline): Uncertain significance (1 of 4 stars; one submission).

Submission:

GeneDx
Classification: Uncertain significance. Last evaluated: 2017-05-10. Review status: criteria provided, single submitter. Criteria: GeneDx Variant Classification (06012015). Collection method: clinical testing. Allele origin: germline. Affected: yes.
Comment: The c.2202dupC variant in the BCORL1 gene has not been reported previously as a pathogenic variant, nor as a benign variant, to our knowledge. The c.2202dupC variant causes a frameshift starting with codon Asparagine 735, changes this amino acid to a Glutamine residue, and creates a premature Stop codon at position 7 of the new reading frame, denoted p.Asn735GlnfsX7. This variant is predicted to cause loss of normal protein function either through protein truncation or nonsense-mediated mRNA decay. The c.2202dupC variant is not observed in large population cohorts (Lek et al., 2016; 1000 Genomes Consortium et al., 2015; Exome Variant Server). We interpret c.2202dupC as a variant of uncertain significance.

NM_001379451.1(BCORL1):c.2202dup (p.Asn735fs)

Gene: BCORL1 (BCL6 corepressor like 1; plus strand). Cytogenetic location: Xq26.1.
Variant type: Duplication.
Coding change: c.2202dup on transcript NM_001379451.1 (MANE Select); coding-DNA position 2202, one base duplicated (C; older notation c.2202dupC).
Protein change: p.Asn735fs; shifts the reading frame from asparagine 735.
Molecular consequence: frameshift variant.
Genome position (GRCh38, 1-based): chrX:130,014,974, C duplicated; the last of 4 consecutive C bases (chrX:130,014,971-130,014,974); duplicating any one gives the same sequence. VCF-style (leftmost placement, unchanged base first): chrX-130014970-A-AC. GRCh37 (hg19) VCF-style: chrX-129148946-A-AC.
Other names: c.2202dupC (NM_021946.4); c.2202dup, p.Asn735fs (NM_001184772.3, NM_001379450.1, NM_021946.5); short protein forms N735fs.
Identifiers: ClinVar variation 429494 (VCV000429494.2), dbSNP rs1131691411, ClinGen allele CA645369814.